The following is an entry in ClinVar:

ClinVar aggregate classification (germline): Uncertain significance. Review status: criteria provided, multiple submitters, no conflicts (2 of 4 stars). 2 submissions from 2 submitters: Uncertain significance (2). Last evaluated 2024-08-20.

Conditions:
Diamond-Blackfan anemia. Also called: Blackfan Diamond syndrome; Aregenerative anemia chronic congenital; Red cell aplasia, pure hereditary; Congenital hypoplastic anemia; Aase syndrome. Identifiers: Orphanet 124, MedGen C1260899, MeSH D029503, MONDO:0015253, HP:0004810.
Diamond-Blackfan anemia 7 (DBA7). Also called: RPL11-Related Diamond-Blackfan Anemia. Identifiers: Orphanet 124, MedGen C2675512, MONDO:0012938, OMIM 612562.

Submissions (2):

Revvity Omics, Revvity
Classification: Uncertain significance for Diamond-Blackfan anemia 7. Last evaluated: 2024-08-20. Review status: criteria provided, single submitter. Criteria: ACMG Guidelines, 2015. Collection method: clinical testing. Allele origin: germline.

Labcorp Genetics (formerly Invitae), Labcorp
Classification: Uncertain significance for Diamond-Blackfan anemia. Last evaluated: 2022-06-12. Review status: criteria provided, single submitter. Criteria: Invitae Variant Classification Sherloc (09022015). Collection method: clinical testing. Allele origin: germline.
Comment: This sequence change replaces threonine, which is neutral and polar, with alanine, which is neutral and non-polar, at codon 73 of the RPL11 protein (p.Thr73Ala). This variant is not present in population databases (gnomAD no frequency). In summary, the available evidence is currently insufficient to determine the role of this variant in disease. Therefore, it has been classified as a Variant of Uncertain Significance. Algorithms developed to predict the effect of missense changes on protein structure and function are either unavailable or do not agree on the potential impact of this missense change (SIFT: "Deleterious"; PolyPhen-2: "Possibly Damaging"; Align-GVGD: "Class C0"). This variant has not been reported in the literature in individuals affected with RPL11-related conditions.

NM_000975.5(RPL11):c.217A>G (p.Thr73Ala)

Gene: RPL11 (ribosomal protein L11; plus strand). Cytogenetic location: 1p36.11.
Variant type: single nucleotide variant.
Coding change: c.217A>G on transcript NM_000975.5 (MANE Select); coding-DNA position 217, A replaced by G.
Protein change: p.Thr73Ala; replaces threonine 73 with alanine.
Molecular consequence: missense variant.
Genome position (GRCh38, 1-based): chr1:23,693,866, A>G. VCF-style: chr1-23693866-A-G. GRCh37 (hg19) VCF-style: chr1-24020356-A-G.
Other names: c.214A>G, p.Thr72Ala (NM_001199802.1); short protein forms T73A, T72A.
Identifiers: ClinVar variation 2063023 (VCV002063023.5), dbSNP rs2523398275, ClinGen allele CA338992834.